The following is an entry in ClinVar:

ClinVar aggregate classification (germline): Pathogenic (1 of 4 stars; one submission).

Conditions:
Spastic paraplegia. Identifiers: MedGen C0037772, HP:0001258.

Submission:

Labcorp Genetics (formerly Invitae), Labcorp
Classification: Pathogenic for Spastic paraplegia. Last evaluated: 2019-10-12. Review status: criteria provided, single submitter. Criteria: Invitae Variant Classification Sherloc (09022015). Collection method: clinical testing. Allele origin: germline.
Comment: Loss-of-function variants in VAMP1 are known to be pathogenic (PMID: 28253535). This variant has not been reported in the literature in individuals with VAMP1-related conditions. A gross deletion of the genomic region encompassing the full coding sequence of the VAMP1 gene has been identified. The boundaries of this event are unknown as the deletion extends beyond the assayed region for this gene and therefore may encompass additional genes. For these reasons, this variant has been classified as Pathogenic.

Literature cited by the submitters: PubMed 28253535.

NC_000012.12:g.(?_6462812)_(6470551_?)del

Genes: TAPBPL (TAP binding protein like; plus strand), VAMP1 (vesicle associated membrane protein 1; minus strand), LOC130007245 (ATAC-STARR-seq lymphoblastoid silent region 4163; plus strand). Cytogenetic location: 12p13.31.
Variant type: Deletion.
Identifiers: ClinVar variation 528039 (VCV000528039.7).